The following is an entry in ClinVar:

NM_178170.3(NEK8):c.269A>G (p.Glu90Gly)

Gene: NEK8 (NIMA related kinase 8; plus strand). Cytogenetic location: 17q11.2.
Variant type: single nucleotide variant.
Coding change: c.269A>G on transcript NM_178170.3 (MANE Select); coding-DNA position 269, A replaced by G.
Protein change: p.Glu90Gly; replaces glutamic acid 90 with glycine.
Molecular consequence: missense variant.
Genome position (GRCh38, 1-based): chr17:28,734,787, A>G. VCF-style: chr17-28734787-A-G. GRCh37 (hg19) VCF-style: chr17-27061805-A-G.
Other names: short protein forms E90G.
Identifiers: ClinVar variation 1472264 (VCV001472264.8), dbSNP rs779113821, ClinGen allele CA8467053.
Genomic context (GRCh38, chr17:28,734,787, plus strand): 5'-TAGGTGTGAGAAAGCCTGGATCTTGATTAGTCCCTTGGGCCACAGGCGGCACTCTGGCTG[A>G]GTTCATCCAAAAGCGCTGTAATTCCCTGCTGGAGGAGGAGACCATCCTGCACTTCTTCGT-3'
Protein context (NP_835464.1, residues 80-100): MEYAPGGTLA[Glu90Gly]FIQKRCNSLL

ClinVar aggregate classification (germline): Uncertain significance. Review status: criteria provided, multiple submitters, no conflicts (2 of 4 stars). 2 submissions from 2 submitters: Uncertain significance (2). Last evaluated 2025-03-10.

Conditions:
Nephronophthisis 9 (NPHP9). Identifiers: Orphanet 655, MedGen C3151188, MONDO:0013444, OMIM 613824.
Renal-hepatic-pancreatic dysplasia 2 (RHPD2). Identifiers: MedGen C3809434, MONDO:0014174, OMIM 615415.

Allele frequency attached by ClinVar (database versions not stated): gnomAD exomes 0.00001 and 0.00004; TOPMed 0.00001; ExAC 0.00003.
gnomAD v4.1: 10 of 1,609,004 alleles (0.00062%); highest among the groups gnomAD compares: Admixed American, 0.013%; no homozygotes.

Submissions (2):

Labcorp Genetics (formerly Invitae), Labcorp
Classification: Uncertain significance for Nephronophthisis 9. Last evaluated: 2025-03-10. Review status: criteria provided, single submitter. Criteria: Invitae Variant Classification Sherloc (09022015). Collection method: clinical testing. Allele origin: germline.
Comment: This sequence change replaces glutamic acid, which is acidic and polar, with glycine, which is neutral and non-polar, at codon 90 of the NEK8 protein (p.Glu90Gly). This variant is present in population databases (rs779113821, gnomAD 0.02%). This variant has not been reported in the literature in individuals affected with NEK8-related conditions. ClinVar contains an entry for this variant (Variation ID: 1472264). An algorithm developed to predict the effect of missense changes on protein structure and function (PolyPhen-2) suggests that this variant is likely to be tolerated. In summary, the available evidence is currently insufficient to determine the role of this variant in disease. Therefore, it has been classified as a Variant of Uncertain Significance.

Fulgent Genetics
Classification: Uncertain significance for Nephronophthisis 9; Renal-hepatic-pancreatic dysplasia 2. Last evaluated: 2021-10-26. Review status: criteria provided, single submitter. Criteria: ACMG Guidelines, 2015. Collection method: clinical testing. Allele origin: unknown.